The following is an entry in ClinVar:

ClinVar aggregate classification (germline): Uncertain significance. Review status: criteria provided, multiple submitters, no conflicts (2 of 4 stars). 2 submissions from 2 submitters: Uncertain significance (2). Last evaluated 2023-07-13.

Conditions:
Cardiovascular phenotype. Identifiers: MedGen CN230736.
Long QT syndrome (LQTS). Identifiers: MedGen C0023976, MeSH D008133, MONDO:0002442. Disease mechanism: loss of function. Inheritance: Various modes of inheritance.

Allele frequency attached by ClinVar (database versions not stated): ExAC 0.00001.

Submissions (3):

Labcorp Genetics (formerly Invitae), Labcorp
Classification: Uncertain significance for Long QT syndrome. Last evaluated: 2023-07-13. Review status: criteria provided, single submitter. Criteria: Invitae Variant Classification Sherloc (09022015). Collection method: clinical testing. Allele origin: germline.
Comment: In summary, the available evidence is currently insufficient to determine the role of this variant in disease. Therefore, it has been classified as a Variant of Uncertain Significance. Algorithms developed to predict the effect of missense changes on protein structure and function output the following: SIFT: "Not Available"; PolyPhen-2: "Benign"; Align-GVGD: "Not Available". The valine amino acid residue is found in multiple mammalian species, which suggests that this missense change does not adversely affect protein function. ClinVar contains an entry for this variant (Variation ID: 2242499). This variant has not been reported in the literature in individuals affected with KCNE1-related conditions. This variant is present in population databases (rs532752739, gnomAD 0.02%). This sequence change replaces alanine, which is neutral and non-polar, with valine, which is neutral and non-polar, at codon 31 of the KCNE1 protein (p.Ala31Val).

Ambry Genetics
Classification: Uncertain significance for Cardiovascular phenotype. Last evaluated: 2021-08-10. Review status: criteria provided, single submitter. Criteria: Ambry Variant Classification Scheme 2023. Collection method: clinical testing. Allele origin: germline.

Roden Lab, Vanderbilt University Medical Center
No classification provided (evidence only). Condition: Long QT syndrome 5. Review status: no classification provided. Collection method: in vitro. Allele origin: not applicable. Functional consequence: Effect on ion channel function. Not counted in ClinVar's aggregate classification.
ClinVar note: "not provided" was previously submitted as the classification for the variant. However, the classification appeared to be based only on an observation of functional data so it was converted to no classification on 2025-07-30.

NM_000219.6(KCNE1):c.92C>T (p.Ala31Val)

Gene: KCNE1 (potassium voltage-gated channel subfamily E regulatory subunit 1; minus strand). Cytogenetic location: 21q22.12.
Variant type: single nucleotide variant.
Coding change: c.92C>T on transcript NM_000219.6 (MANE Select); coding-DNA position 92, C replaced by T.
Protein change: p.Ala31Val; replaces alanine 31 with valine.
Molecular consequence: missense variant.
Genome position (GRCh38, 1-based): chr21:34,449,543, G>A on the plus strand (C>T on the coding strand, the complement: KCNE1 is on the minus strand). VCF-style: chr21-34449543-G-A. GRCh37 (hg19) VCF-style: chr21-35821841-G-A.
Other names: c.92C>T, p.Ala31Val (NM_001127668.4, NM_001127669.4, NM_001127670.4 and 4 more transcripts); short protein forms A31V.
Identifiers: ClinVar variation 2242499 (VCV002242499.6), dbSNP rs532752739, ClinGen allele CA320425496.